The following is an entry in ClinVar:

NM_005909.5(MAP1B):c.2395G>A (p.Val799Ile)

Gene: MAP1B (microtubule associated protein 1B; plus strand). Cytogenetic location: 5q13.2.
Variant type: single nucleotide variant.
Coding change: c.2395G>A on transcript NM_005909.5 (MANE Select); coding-DNA position 2395, G replaced by A.
Protein change: p.Val799Ile; replaces valine 799 with isoleucine.
Molecular consequence: missense variant.
Genome position (GRCh38, 1-based): chr5:72,195,750, G>A. VCF-style: chr5-72195750-G-A. GRCh37 (hg19) VCF-style: chr5-71491577-G-A.
Other names: c.2017G>A, p.Val673Ile (NM_001324255.2); short protein forms V673I, V799I.
Identifiers: ClinVar variation 3731332 (VCV003731332.1).

ClinVar aggregate classification (germline): Uncertain significance (1 of 4 stars; one submission).

Conditions:
Periventricular nodular heterotopia 9. Identifiers: MedGen C5394503, MONDO:0030061, OMIM 618918.

gnomAD v4.1: 11 of 1,614,266 alleles (0.00068%); highest among the groups gnomAD compares: South Asian, 0.011%; no homozygotes.

Submission:

Neuberg Centre For Genomic Medicine, NCGM
Classification: Uncertain significance for Periventricular nodular heterotopia 9. Last evaluated: 2023-06-22. Review status: criteria provided, single submitter. Criteria: ACMG Guidelines, 2015. Collection method: clinical testing. Allele origin: germline. Inheritance: Autosomal dominant inheritance. Affected: yes.
Comment: The observed missense variant c.2395G>A(p.Val799Ile) in the MAP1B gene has not been reported previously as a pathogenic variant nor as a benign variant, to our knowledge. This variant is reported with the allele frequency 0.001% in the gnomAD Exomes. The amino acid Val at position 799 is changed to a Ile changing protein sequence and it might alter its composition and physico-chemical properties. Multiple lines of computational evidence (Polyphen - Benign, SIFT - Tolerated and MutationTaster - Polymorphism) predict no damaging effect on protein structure and function for this variant. The residue is conserved by GERP++ and PhyloP across 100 vertebrates. For these reasons, this variant has been classified as Uncertain Significance.